The following is an entry in ClinVar:

NM_001039141.3(TRIOBP):c.1834_1911del (p.Arg612_Ser637del)

Gene: TRIOBP (TRIO and F-actin binding protein; plus strand). Cytogenetic location: 22q13.1.
Variant type: Deletion.
Coding change: c.1834_1911del on transcript NM_001039141.3 (MANE Select); coding-DNA positions 1834 to 1911, 78 bases deleted.
Protein change: p.Arg612_Ser637del.
Molecular consequence: inframe deletion.
Genome position (GRCh38, 1-based): chr22:37,724,390-37,724,467, 78 bases deleted. GRCh37 (hg19): chr22:38,120,397-38,120,474.
Identifiers: ClinVar variation 4981230 (VCV004981230.1).

ClinVar aggregate classification (germline): Uncertain significance (1 of 4 stars; one submission).

Conditions:
TRIOBP-related disorder. Also called: TRIOBP-related condition.

Submission:

PreventionGenetics, part of Exact Sciences
Classification: Uncertain significance for TRIOBP-related condition. Last evaluated: 2025-03-24. Review status: criteria provided, single submitter. Criteria: ACMG Guidelines, 2015. Collection method: clinical testing. Allele origin: germline.
Comment: The TRIOBP c.1834_1911del78 variant is predicted to result in an in-frame deletion (p.Arg612_Ser637del). To our knowledge, this variant has not been reported in the literature. This variant is reported in 0.037% of alleles in individuals of African descent in gnomAD. At this time, the clinical significance of this variant is uncertain due to the absence of conclusive functional and genetic evidence.